The following is an entry in ClinVar:

ClinVar aggregate classification (germline): Pathogenic (1 of 4 stars; one submission).

Submission:

Labcorp Genetics (formerly Invitae), Labcorp
Classification: Pathogenic. Last evaluated: 2023-07-19. Review status: criteria provided, single submitter. Criteria: Invitae Variant Classification Sherloc (09022015). Collection method: clinical testing. Allele origin: germline.
Comment: This sequence change creates a premature translational stop signal (p.Gly397Glufs*10) in the NFKB1 gene. It is expected to result in an absent or disrupted protein product. Loss-of-function variants in NFKB1 are known to be pathogenic (PMID: 26279205, 29477724). This variant is not present in population databases (gnomAD no frequency). This variant has not been reported in the literature in individuals affected with NFKB1-related conditions. For these reasons, this variant has been classified as Pathogenic.

Literature cited by the submitters: PubMed 26279205; PubMed 29477724.

NM_003998.4(NFKB1):c.1189_1190insA (p.Gly397fs)

Gene: NFKB1 (nuclear factor kappa B subunit 1; plus strand). Cytogenetic location: 4q24.
Variant type: Insertion.
Coding change: c.1189_1190insA on transcript NM_003998.4 (MANE Select); coding-DNA positions 1189 to 1190, A inserted.
Protein change: p.Gly397fs; shifts the reading frame from glycine 397.
Molecular consequence: frameshift variant.
Genome position: GRCh38 VCF-style: chr4-102593547-G-GA. GRCh37 (hg19) VCF-style: chr4-103514704-G-GA.
Other names: c.1186_1187insA, p.Gly396fs (NM_001165412.2, NM_001319226.2, NM_001382627.1); c.1189_1190insA, p.Gly397fs (NM_001382625.1, NM_001382626.1); c.1147_1148insA, p.Gly383fs (NM_001382628.1); short protein forms G397fs, G396fs, G383fs.
Identifiers: ClinVar variation 2745250 (VCV002745250.3), dbSNP rs2476487562, ClinGen allele CA2697546859.
Genomic context (GRCh38, chr4:102,593,547, plus strand): 5'-GGTGGTAGTGGTGCTGGAGCTGGAGGCGGAGGCATGTTTGGTAGTGGCGGTGGAGGAGGG[G>GA]GCACTGGAAGTACAGGTCCAGGTACAAAAATACTTATTCTTCCTAAAACTTTTTCATATT-3'